The following is an entry in ClinVar:

NM_021942.6(TRAPPC11):c.1409C>G (p.Thr470Ser)

Gene: TRAPPC11 (trafficking protein particle complex subunit 11; plus strand). Cytogenetic location: 4q35.1.
Variant type: single nucleotide variant.
Coding change: c.1409C>G on transcript NM_021942.6 (MANE Select); coding-DNA position 1409, C replaced by G.
Protein change: p.Thr470Ser; replaces threonine 470 with serine.
Molecular consequence: missense variant.
Genome position (GRCh38, 1-based): chr4:183,684,347, C>G. VCF-style: chr4-183684347-C-G. GRCh37 (hg19) VCF-style: chr4-184605500-C-G.
Other names: c.1409C>G, p.Thr470Ser (NM_199053.3); c.1409C>G (NM_021942.4); short protein forms T470S.
Identifiers: ClinVar variation 2154913 (VCV002154913.2), dbSNP rs200956431, ClinGen allele CA358866990.

ClinVar aggregate classification (germline): Uncertain significance. Review status: criteria provided, multiple submitters, no conflicts (2 of 4 stars). 2 submissions from 2 submitters: Uncertain significance (2). Last evaluated 2025-08-20.

Conditions:
Inborn genetic diseases. Identifiers: MedGen C0950123, MeSH D030342.
Autosomal recessive limb-girdle muscular dystrophy type R18 (LGMDR18). Also called: Limb-girdle muscular dystrophy, type 2S; MUSCULAR DYSTROPHY, LIMB-GIRDLE, AUTOSOMAL RECESSIVE 18; Autosomal recessive limb-girdle muscular dystrophy type 2S. Identifiers: Orphanet 369840, MedGen C4517996, MONDO:0014144, OMIM 615356.

Allele frequency attached by ClinVar (database versions not stated): TOPMed 0.00001; gnomAD exomes 0.00002.
gnomAD v4.1: 28 of 1,613,264 alleles (0.0017%); highest among the groups gnomAD compares: Non-Finnish European, 0.002%; no homozygotes.

Submissions (2):

Ambry Genetics
Classification: Uncertain significance for Inborn genetic diseases. Last evaluated: 2025-08-20. Review status: criteria provided, single submitter. Criteria: Ambry Variant Classification Scheme 2023. Collection method: clinical testing. Allele origin: germline.

Labcorp Genetics (formerly Invitae), Labcorp
Classification: Uncertain significance for Autosomal recessive limb-girdle muscular dystrophy type R18. Last evaluated: 2022-06-08. Review status: criteria provided, single submitter. Criteria: Invitae Variant Classification Sherloc (09022015). Collection method: clinical testing. Allele origin: germline.
Comment: This sequence change replaces threonine, which is neutral and polar, with serine, which is neutral and polar, at codon 470 of the TRAPPC11 protein (p.Thr470Ser). This variant is present in population databases (no rsID available, gnomAD 0.0009%). This variant has not been reported in the literature in individuals affected with TRAPPC11-related conditions. Algorithms developed to predict the effect of missense changes on protein structure and function output the following: SIFT: "Tolerated"; PolyPhen-2: "Possibly Damaging"; Align-GVGD: "Class C0". The serine amino acid residue is found in multiple mammalian species, which suggests that this missense change does not adversely affect protein function. In summary, the available evidence is currently insufficient to determine the role of this variant in disease. Therefore, it has been classified as a Variant of Uncertain Significance.